The following is an entry in ClinVar:

NM_138713.4(NFAT5):c.3349A>G (p.Ile1117Val)

Gene: NFAT5 (nuclear factor of activated T cells 5; plus strand). Cytogenetic location: 16q22.1.
Variant type: single nucleotide variant.
Coding change: c.3349A>G on transcript NM_138713.4 (MANE Select); coding-DNA position 3349, A replaced by G.
Protein change: p.Ile1117Val; replaces isoleucine 1117 with valine.
Molecular consequence: missense variant.
Genome position (GRCh38, 1-based): chr16:69,693,174, A>G. VCF-style: chr16-69693174-A-G. GRCh37 (hg19) VCF-style: chr16-69727077-A-G.
Other names: c.3349A>G, p.Ile1117Val (LRG_1332t1); c.3346A>G, p.Ile1116Val (NM_001113178.3); c.2674A>G, p.Ile892Val (NM_001367709.1); c.3295A>G, p.Ile1099Val (NM_006599.4); c.3067A>G, p.Ile1023Val (NM_138714.4, NM_173214.3, NM_173215.3); short protein forms I1023V, I1117V, I1099V, I1116V, I892V.
Identifiers: ClinVar variation 641656 (VCV000641656.9), dbSNP rs746229892, ClinGen allele CA8135888.

ClinVar aggregate classification (germline): Uncertain significance. Review status: criteria provided, multiple submitters, no conflicts (2 of 4 stars). 2 submissions from 2 submitters: Uncertain significance (2). Last evaluated 2026-02-03.

Conditions:
Immunodeficiency. Identifiers: MedGen C0021051, MONDO:0021094, HP:0002721.

Allele frequency attached by ClinVar (database versions not stated): gnomAD 0.00001; ExAC 0.00003; TOPMed 0.00003; gnomAD exomes 0.00004 and 0.00005.
gnomAD v4.1: 69 of 1,614,024 alleles (0.0043%); highest among the groups gnomAD compares: Middle Eastern, 0.15%; no homozygotes.

Submissions (2):

Labcorp Genetics (formerly Invitae), Labcorp
Classification: Uncertain significance for Immunodeficiency. Last evaluated: 2026-02-03. Review status: criteria provided, single submitter. Criteria: Invitae Variant Classification Sherloc (09022015). Collection method: clinical testing. Allele origin: germline.
Comment: This sequence change replaces isoleucine, which is neutral and non-polar, with valine, which is neutral and non-polar, at codon 1023 of the NFAT5 protein (p.Ile1023Val). This variant is present in population databases (rs746229892, gnomAD 0.009%). This variant has not been reported in the literature in individuals affected with NFAT5-related conditions. ClinVar contains an entry for this variant (Variation ID: 641656). An algorithm developed to predict the effect of missense changes on protein structure and function (PolyPhen-2) suggests that this variant is likely to be tolerated. In summary, the available evidence is currently insufficient to determine the role of this variant in disease. Therefore, it has been classified as a Variant of Uncertain Significance.

Breakthrough Genomics
Classification: Uncertain significance. Review status: criteria provided, single submitter. Criteria: ACMG Guidelines, 2015. Collection method: not provided. Allele origin: germline. Inheritance: Unknown mechanism. Affected: yes.